The following is an entry in ClinVar:

NM_000020.3(ACVRL1):c.313_313+1del

Gene: ACVRL1 (activin A receptor like type 1; plus strand). Cytogenetic location: 12q13.13.
Variant type: Deletion.
Coding change: c.313_313+1del on transcript NM_000020.3 (MANE Select); coding-DNA position 313 through the canonical splice donor site of the intron after coding-DNA position 313, 2 bases deleted (GG; older notation c.313_313+1delGG).
Molecular consequence: splice donor variant.
Genome position (GRCh38, 1-based): chr12:51,913,350-51,913,351, GG deleted; deleting any 2 consecutive bases within chr12:51,913,349-51,913,351 gives the same sequence; the c. name uses the placement nearest the transcript's 3' end. VCF-style (leftmost placement, unchanged base first): chr12-51913348-AGG-A. GRCh37 (hg19) VCF-style: chr12-52307132-AGG-A.
Other names: c.313_313+1del (NM_001077401.2).
Identifiers: ClinVar variation 1727954 (VCV001727954.3), dbSNP rs2540159366, ClinGen allele CA2580086443.

ClinVar aggregate classification (germline): Likely pathogenic (1 of 4 stars; one submission).

Conditions:
Cardiovascular phenotype. Identifiers: MedGen CN230736.

Submission:

Ambry Genetics
Classification: Likely pathogenic for Cardiovascular phenotype. Last evaluated: 2024-11-09. Review status: criteria provided, single submitter. Criteria: Ambry Variant Classification Scheme 2023. Collection method: clinical testing. Allele origin: germline.
Comment: The c.313_313+1delGG variant results from a deletion of two nucleotides at positions c.313 and c.313+1 and involves the canonical splice donor site after coding exon 2 of the ACVRL1 gene. This variant is considered to be rare based on population cohorts in the Genome Aggregation Database (gnomAD). The canonical splice donor site is highly conserved in available vertebrate species. In silico splice site analysis predicts that this alteration will weaken the native splice donor site and will result in the creation or strengthening of a novel splice donor site; however, the exact impact of this deletion on ACVRL1 splicing and function is currently unknown. Alterations that disrupt the canonical splice site are expected to cause aberrant splicing, resulting in an abnormal protein or a transcript that is subject to nonsense-mediated mRNA decay. As such, this alteration is classified as likely pathogenic.

Literature cited by the submitters: PubMed 23805858.